The following is an entry in ClinVar:

NM_007294.4(BRCA1):c.1480dup (p.Gln494fs)

Gene: BRCA1 (BRCA1 DNA repair associated; minus strand). Cytogenetic location: 17q21.31.
Variant type: Duplication.
Coding change: c.1480dup on transcript NM_007294.4 (MANE Select); coding-DNA position 1480, one base duplicated (C; older notation c.1480dupC).
Protein change: p.Gln494fs; shifts the reading frame from glutamine 494.
Molecular consequence: frameshift variant. On other transcripts: intron variant (137).
Genome position (GRCh38, 1-based): chr17:43,094,051, G duplicated on the plus strand (C on the coding strand, the reverse complement: BRCA1 is on the minus strand). VCF-style (leftmost placement, unchanged base first): chr17-43094050-T-TG. GRCh37 (hg19) VCF-style: chr17-41246067-T-TG.
Other names: c.1357dup, p.Gln453fs (NM_001407939.1, NM_001407648.1, NM_001407664.1 and 19 more transcripts); c.1354dup, p.Gln452fs (NM_001407940.1, NM_001407941.1, NM_001407649.1 and 11 more transcripts); c.1147dup, p.Gln383fs (NM_001407946.1, NM_001407947.1, NM_001407948.1 and 6 more transcripts); c.1339dup, p.Gln447fs (NM_001407942.1, NM_001407944.1, NM_001407945.1 and 29 more transcripts); c.1336dup, p.Gln446fs (NM_001407943.1, NM_001407740.1, NM_001407741.1 and 20 more transcripts); c.1480dupC (NM_007294.3); c.1267dup, p.Gln423fs (NM_001407571.1, NM_001407853.1, NM_001407894.1 and 9 more transcripts); c.1480dup, p.Gln494fs (NM_001407581.1, NM_001407582.1, NM_001407583.1 and 30 more transcripts); and 41 more; short protein forms Q447fs, Q494fs, Q382fs, Q424fs, Q426fs, Q452fs, Q453fs, Q366fs.
Identifiers: ClinVar variation 531258 (VCV000531258.8), dbSNP rs1555591706, ClinGen allele CA658798843.

ClinVar aggregate classification (germline): Pathogenic (1 of 4 stars; one submission).

Conditions:
Hereditary breast ovarian cancer syndrome. Also called: Hereditary breast and ovarian cancer syndrome (HBOC); BRCA1- and BRCA2-Associated Hereditary Breast and Ovarian Cancer; Hereditary breast and ovarian cancer syndrome; Breast and ovarian cancer; Hereditary breast and ovarian cancer; Hereditary breast and/or ovarian cancer syndrome. Identifiers: Orphanet 145, MedGen C0677776, MeSH D061325, MONDO:0003582. Disease mechanism: loss of function.

Submission:

Labcorp Genetics (formerly Invitae), Labcorp
Classification: Pathogenic for Hereditary breast ovarian cancer syndrome. Last evaluated: 2017-09-16. Review status: criteria provided, single submitter. Criteria: Invitae Variant Classification Sherloc (09022015). Collection method: clinical testing. Allele origin: germline.
Comment: This sequence change creates a premature translational stop signal (p.Gln494Profs*8) in the BRCA1 gene. It is expected to result in an absent or disrupted protein product. This variant is not present in population databases (ExAC no frequency). This variant has not been reported in the literature in individuals with BRCA1-related disease. Loss-of-function variants in BRCA1 are known to be pathogenic (PMID: 20104584). For these reasons, this variant has been classified as Pathogenic.

Literature cited by the submitters: PubMed 20104584.